The following is an entry in ClinVar:

ClinVar aggregate classification (germline): Conflicting classifications of pathogenicity. Review status: criteria provided, conflicting classifications (1 of 4 stars). 8 submissions from 8 submitters: Uncertain significance (2); Benign (1); Likely benign (3). 2 of the submissions do not count toward it. Last evaluated 2026-09-01.

Conditions:
Growth delay due to insulin-like growth factor type 1 deficiency (IGF1D). Also called: GROWTH RETARDATION WITH SENSORINEURAL DEAFNESS AND MENTAL RETARDATION; IGF1 DEFICIENCY. Identifiers: Orphanet 73272, MedGen C1837475, MONDO:0012110, OMIM 608747.

Allele frequency attached by ClinVar (database versions not stated): gnomAD 0.00147 and 0.00152; gnomAD exomes 0.00149 and 0.00317; ExAC 0.00158; ESP Exome Variant Server 0.00169; TOPMed 0.00178.
gnomAD v4.1: 4,770 of 1,614,134 alleles (0.3%); highest among the groups gnomAD compares: Non-Finnish European, 0.39%; 11 homozygotes.

Submissions (8):

CeGaT Center for Human Genetics Tuebingen
Classification: Likely benign. Last evaluated: 2026-09-01. Review status: criteria provided, single submitter. Criteria: CeGaT Center For Human Genetics Tuebingen Variant Classification Criteria Version 2. Collection method: clinical testing. Allele origin: germline. Affected: yes. Observed: 3 variant alleles.
Comment: IGF1: BP4, BP7

Women's Health and Genetics/Laboratory Corporation of America, LabCorp
Classification: Likely benign. Last evaluated: 2026-02-06. Review status: criteria provided, single submitter. Criteria: LabCorp Variant Classification Summary - May 2015. Collection method: clinical testing. Allele origin: germline.

Labcorp Genetics (formerly Invitae), Labcorp
Classification: Benign. Last evaluated: 2025-12-15. Review status: criteria provided, single submitter. Criteria: Invitae Variant Classification Sherloc (09022015). Collection method: clinical testing. Allele origin: germline.

Blueprint Genetics
Classification: Likely benign. Last evaluated: 2024-11-04. Review status: criteria provided, single submitter. Criteria: ACMG Guidelines, 2015. Collection method: clinical testing. Allele origin: germline.

Illumina Laboratory Services, Illumina
Classification: Uncertain significance for Growth delay due to insulin-like growth factor type 1 deficiency. Last evaluated: 2017-04-27. Review status: criteria provided, single submitter. Criteria: ICSL Variant Classification Criteria 13 December 2019. Collection method: clinical testing. Allele origin: germline.
Comment: This variant was observed as part of a predisposition screen in an ostensibly healthy population. A literature search was performed for the gene, cDNA change, and amino acid change (where applicable). Publications were found based on this search. However, the evidence from the literature, in combination with allele frequency data from public databases where available, was not sufficient to rule this variant in or out of causing disease. Therefore, this variant is classified as a variant of unknown significance.

Eurofins Ntd Llc (ga)
Classification: Uncertain significance. Last evaluated: 2017-02-08. Review status: criteria provided, single submitter. Criteria: EGL Classification Definitions 2015. Collection method: clinical testing. Allele origin: germline. Observed: 3 variant alleles, 3 heterozygotes.

Genome Diagnostics Laboratory, University Medical Center Utrecht
Classification: Likely benign. Review status: no assertion criteria provided. Collection method: clinical testing. Allele origin: germline. Affected: yes. Study: VKGL Data-share Consensus. Not counted in ClinVar's aggregate classification.

Laboratory of Diagnostic Genome Analysis, Leiden University Medical Center (LUMC)
Classification: Likely benign. Review status: no assertion criteria provided. Collection method: clinical testing. Allele origin: germline. Affected: yes. Study: VKGL Data-share Consensus. Not counted in ClinVar's aggregate classification.

Literature cited by the submitters: PubMed 22832530 (cited by Illumina Laboratory Services, Illumina).

NM_000618.5(IGF1):c.207G>A (p.Arg69=)

Genes: IGF1 (insulin like growth factor 1; minus strand), LINC02456 (long independently transcribed non-coding RNA 2456; plus strand). Cytogenetic location: 12q23.2.
Variant type: single nucleotide variant.
Coding change: c.207G>A on transcript NM_000618.5 (MANE Select); coding-DNA position 207, G replaced by A.
Protein change: p.Arg69=; no amino-acid change (arginine 69 retained).
Molecular consequence: synonymous variant.
Genome position (GRCh38, 1-based): chr12:102,475,656, C>T on the plus strand (G>A on the coding strand, the complement: IGF1 is on the minus strand). VCF-style: chr12-102475656-C-T. GRCh37 (hg19) VCF-style: chr12-102869434-C-T.
Other names: c.207G>A, p.Arg69= (NM_001111283.3, NM_001111285.3); c.159G>A, p.Arg53= (NM_001111284.2).
Identifiers: ClinVar variation 195095 (VCV000195095.56), dbSNP rs147960415, ClinGen allele CA241366.